The following is an entry in ClinVar:

NM_001082971.2(DDC):c.550G>C (p.Val184Leu)

Gene: DDC (dopa decarboxylase; minus strand). Cytogenetic location: 7p12.1.
Variant type: single nucleotide variant.
Coding change: c.550G>C on transcript NM_001082971.2 (MANE Select); coding-DNA position 550, G replaced by C.
Protein change: p.Val184Leu; replaces valine 184 with leucine.
Molecular consequence: missense variant. On other transcripts: intron variant (1).
Genome position (GRCh38, 1-based): chr7:50,529,228, C>G on the plus strand (G>C on the coding strand, the complement: DDC is on the minus strand). VCF-style: chr7-50529228-C-G. GRCh37 (hg19) VCF-style: chr7-50596926-C-G.
Other names: c.550G>C, p.Val184Leu (NM_000790.4, NM_001242887.2, NM_001242890.2); c.436G>C, p.Val146Leu (NM_001242886.2); c.316G>C, p.Val106Leu (NM_001242888.2); c.435+8632G>C (NM_001242889.2); short protein forms V184L, V106L, V146L.
Identifiers: ClinVar variation 908407 (VCV000908407.12), dbSNP rs139433641, ClinGen allele CA4262341.

ClinVar aggregate classification (germline): Benign/Likely benign. Review status: criteria provided, multiple submitters, no conflicts (2 of 4 stars). 2 submissions from 2 submitters: Benign (1); Likely benign (1). Last evaluated 2026-01-31.

Conditions:
Deficiency of aromatic-L-amino-acid decarboxylase. Also called: Aromatic amino acid decarboxylase deficiency; Aromatic L-Amino Acid Decarboxylase Deficiency; AADC DEFICIENCY; DDC DEFICIENCY; DOPA DECARBOXYLASE DEFICIENCY. Identifiers: Orphanet 35708, MedGen C1291564, MONDO:0012084, OMIM 608643.

Allele frequency attached by ClinVar (database versions not stated): gnomAD 0.00011 and 0.00015; gnomAD exomes 0.00013 and 0.00058; TOPMed 0.00044; ExAC 0.00045; 1000 Genomes Project 30x 0.00109; 1000 Genomes Project 0.00120.
gnomAD v4.1: 217 of 1,613,532 alleles (0.013%); highest among the groups gnomAD compares: East Asian, 0.46%; no homozygotes.

Submissions (2):

Labcorp Genetics (formerly Invitae), Labcorp
Classification: Benign for Deficiency of aromatic-L-amino-acid decarboxylase. Last evaluated: 2026-01-31. Review status: criteria provided, single submitter. Criteria: Invitae Variant Classification Sherloc (09022015). Collection method: clinical testing. Allele origin: germline.

Illumina Laboratory Services, Illumina
Classification: Likely benign for Deficiency of aromatic-L-amino-acid decarboxylase. Last evaluated: 2017-04-27. Review status: criteria provided, single submitter. Criteria: ICSL Variant Classification Criteria 13 December 2019. Collection method: clinical testing. Allele origin: germline.
Comment: This variant was observed as part of a predisposition screen in an ostensibly healthy population. A literature search was performed for the gene, cDNA change, and amino acid change (where applicable). No publications were found based on this search. Allele frequency data from public databases allowed determination this variant is unlikely to cause disease. Therefore, this variant is classified as likely benign.